The following is an entry in ClinVar:

ClinVar aggregate classification (germline): Conflicting classifications of pathogenicity. Review status: criteria provided, conflicting classifications (1 of 4 stars). 2 submissions from 2 submitters: Uncertain significance (1); Likely benign (1). Last evaluated 2024-10-30.

Conditions:
Charcot-Marie-Tooth disease type 2. Also called: Charcot-Marie-Tooth type 2. Identifiers: Orphanet 64746, MedGen C0270914, MONDO:0018993.
Cardiovascular phenotype. Identifiers: MedGen CN230736.

Allele frequency attached by ClinVar (database versions not stated): gnomAD exomes below 0.00001; gnomAD 0.00001; TOPMed 0.00001.
gnomAD v4.1: 1 of 1,577,456 alleles (0.000063%); highest among the groups gnomAD compares: Non-Finnish European, 0.000086%; no homozygotes.

Submissions (2):

Labcorp Genetics (formerly Invitae), Labcorp
Classification: Uncertain significance for Charcot-Marie-Tooth disease type 2. Last evaluated: 2024-10-30. Review status: criteria provided, single submitter. Criteria: Invitae Variant Classification Sherloc (09022015). Collection method: clinical testing. Allele origin: germline.
Comment: This sequence change affects codon 536 of the LMNA mRNA. It is a 'silent' change, meaning that it does not change the encoded amino acid sequence of the LMNA protein. It affects a nucleotide within the consensus splice site. This variant is not present in population databases (gnomAD no frequency). This variant has not been reported in the literature in individuals affected with LMNA-related conditions. ClinVar contains an entry for this variant (Variation ID: 1023900). Algorithms developed to predict the effect of sequence changes on RNA splicing suggest that this variant is not likely to affect RNA splicing. In summary, the available evidence is currently insufficient to determine the role of this variant in disease. Therefore, it has been classified as a Variant of Uncertain Significance.

Ambry Genetics
Classification: Likely benign for Cardiovascular phenotype. Last evaluated: 2024-09-18. Review status: criteria provided, single submitter. Criteria: Ambry Variant Classification Scheme 2023. Collection method: clinical testing. Allele origin: germline.

Literature cited by the submitters: PubMed 24503780 (cited by Ambry Genetics).

NM_170707.4(LMNA):c.1608A>G (p.Glu536=)

Gene: LMNA (lamin A/C; plus strand). Cytogenetic location: 1q22.
Variant type: single nucleotide variant.
Coding change: c.1608A>G on transcript NM_170707.4 (MANE Select); coding-DNA position 1608, A replaced by G.
Protein change: p.Glu536=; no amino-acid change (glutamic acid 536 retained).
Molecular consequence: synonymous variant.
Genome position (GRCh38, 1-based): chr1:156,137,232, A>G. VCF-style: chr1-156137232-A-G. GRCh37 (hg19) VCF-style: chr1-156107023-A-G.
Other names: c.1608A>G (NM_170707.2); c.1608A>G, p.Glu536= (NM_001282626.2, NM_005572.4, NM_170708.4 and 1 more transcripts); c.1272A>G, p.Glu424= (NM_001257374.3); c.1365A>G, p.Glu455= (NM_001282624.2).
Identifiers: ClinVar variation 1023900 (VCV001023900.10), dbSNP rs1651737692, ClinGen allele CA421069209.